The following is an entry in ClinVar:

NM_014334.4(FRRS1L):c.39G>A (p.Ala13=)

Gene: FRRS1L (ferric chelate reductase 1 like; minus strand). Cytogenetic location: 9q31.3.
Variant type: single nucleotide variant.
Coding change: c.39G>A on transcript NM_014334.4 (MANE Select); coding-DNA position 39, G replaced by A.
Protein change: p.Ala13=; no amino-acid change (alanine 13 retained).
Molecular consequence: synonymous variant.
Genome position (GRCh38, 1-based): chr9:109,167,100, C>T on the plus strand (G>A on the coding strand, the complement: FRRS1L is on the minus strand). VCF-style: chr9-109167100-C-T. GRCh37 (hg19) VCF-style: chr9-111929380-C-T.
Identifiers: ClinVar variation 707991 (VCV000707991.46), dbSNP rs773235133, ClinGen allele CA5177493.

ClinVar aggregate classification (germline): Likely benign. Review status: criteria provided, multiple submitters, no conflicts (2 of 4 stars). 4 submissions from 4 submitters: Likely benign (4). Last evaluated 2026-07-01.

Conditions:
Developmental and epileptic encephalopathy, 37 (DEE37). Also called: Epileptic encephalopathy, early infantile, 37. Identifiers: MedGen C4310770, MONDO:0014859, OMIM 616981.

Allele frequency attached by ClinVar (database versions not stated): ExAC below 0.00001; gnomAD exomes 0.00009 and 0.00014; gnomAD 0.00015 and 0.00017; 1000 Genomes Project 30x 0.00016; TOPMed 0.00019.
gnomAD v4.1: 121 of 1,179,930 alleles (0.01%); highest among the groups gnomAD compares: Admixed American, 0.047%; 1 homozygote.

Submissions (4):

CeGaT Center for Human Genetics Tuebingen
Classification: Likely benign. Last evaluated: 2026-07-01. Review status: criteria provided, single submitter. Criteria: CeGaT Center For Human Genetics Tuebingen Variant Classification Criteria Version 2. Collection method: clinical testing. Allele origin: germline. Affected: yes. Observed: 3 variant alleles.
Comment: FRRS1L: BP4, BP7

Labcorp Genetics (formerly Invitae), Labcorp
Classification: Likely benign for Developmental and epileptic encephalopathy, 37. Last evaluated: 2025-11-04. Review status: criteria provided, single submitter. Criteria: Invitae Variant Classification Sherloc (09022015). Collection method: clinical testing. Allele origin: germline.

Blueprint Genetics
Classification: Likely benign. Last evaluated: 2024-09-23. Review status: criteria provided, single submitter. Criteria: ACMG Guidelines, 2015. Collection method: clinical testing. Allele origin: germline.

GeneDx
Classification: Likely benign. Last evaluated: 2021-05-06. Review status: criteria provided, single submitter. Criteria: GeneDx Variant Classification Process June 2021. Collection method: clinical testing. Allele origin: germline. Affected: yes.